The following is an entry in ClinVar:

ClinVar aggregate classification (germline): Uncertain significance. Review status: criteria provided, multiple submitters, no conflicts (2 of 4 stars). 2 submissions from 2 submitters: Uncertain significance (2). Last evaluated 2023-12-28.

gnomAD v4.1: 4 of 1,551,184 alleles (0.00026%); highest among the groups gnomAD compares: Non-Finnish European, 0.00035%; no homozygotes.

Submissions (2):

Blueprint Genetics
Classification: Uncertain significance. Last evaluated: 2023-12-28. Review status: criteria provided, single submitter. Criteria: ACMG Guidelines, 2015. Collection method: clinical testing. Allele origin: germline.

Labcorp Genetics (formerly Invitae), Labcorp
Classification: Uncertain significance. Last evaluated: 2021-08-12. Review status: criteria provided, single submitter. Criteria: Invitae Variant Classification Sherloc (09022015). Collection method: clinical testing. Allele origin: germline.
Comment: This sequence change replaces serine with cysteine at codon 2705 of the EYS protein (p.Ser2705Cys). The serine residue is highly conserved and there is a moderate physicochemical difference between serine and cysteine. This variant is not present in population databases (ExAC no frequency). This missense change has been observed in individual(s) with EYS-related inherited retinal dystrophy (Invitae). Algorithms developed to predict the effect of missense changes on protein structure and function are either unavailable or do not agree on the potential impact of this missense change (SIFT: "Deleterious"; PolyPhen-2: "Probably Damaging"; Align-GVGD: "Class C0"). In summary, the available evidence is currently insufficient to determine the role of this variant in disease. Therefore, it has been classified as a Variant of Uncertain Significance.

NM_001142800.2(EYS):c.8114C>G (p.Ser2705Cys)

Gene: EYS (EGF-like photoreceptor maintenance factor; minus strand). Cytogenetic location: 6q12.
Variant type: single nucleotide variant.
Coding change: c.8114C>G on transcript NM_001142800.2 (MANE Select); coding-DNA position 8114, C replaced by G.
Protein change: p.Ser2705Cys; replaces serine 2705 with cysteine.
Molecular consequence: missense variant.
Genome position (GRCh38, 1-based): chr6:63,726,638, G>C on the plus strand (C>G on the coding strand, the complement: EYS is on the minus strand). VCF-style: chr6-63726638-G-C. GRCh37 (hg19) VCF-style: chr6-64436531-G-C.
Other names: c.8177C>G, p.Ser2726Cys (NM_001292009.2); short protein forms S2705C, S2726C.
Identifiers: ClinVar variation 1365058 (VCV001365058.4), dbSNP rs1230647637, ClinGen allele CA364386294.
Genomic context (GRCh38, chr6:63,726,638, plus strand): 5'-TGAAACTGCAATTGAATATGTGTCTTTTTTCGAACATGAAAGGAAGCAAAAGACATCCAG[G>C]ATAACTCATTGCTTCTGAAAGATGGATCACTTATGGATAAAGCTGAGGGAAGGAGAGAAA-3'
Protein context (NP_001136272.1, residues 2695-2715): SDPSFRSNEL[Ser2705Cys]WMSFASFHVR